The following is an entry in ClinVar:

ClinVar aggregate classification (germline): Uncertain significance (1 of 4 stars; one submission).

gnomAD v4.1: 2 of 1,614,196 alleles (0.00012%); highest among the groups gnomAD compares: Admixed American, 0.0017%; no homozygotes.

Submission:

GeneDx
Classification: Uncertain significance. Last evaluated: 2025-09-30. Review status: criteria provided, single submitter. Criteria: GeneDx Variant Classification Process June 2021. Collection method: clinical testing. Allele origin: germline.
Comment: In silico analysis supports that this missense variant has a deleterious effect on protein structure/function; Has not been previously published as pathogenic or benign to our knowledge

NM_001429.4(EP300):c.6998C>G (p.Pro2333Arg)

Gene: EP300 (EP300 lysine acetyltransferase; plus strand). Cytogenetic location: 22q13.2.
Variant type: single nucleotide variant.
Coding change: c.6998C>G on transcript NM_001429.4 (MANE Select); coding-DNA position 6998, C replaced by G.
Protein change: p.Pro2333Arg; replaces proline 2333 with arginine.
Molecular consequence: missense variant.
Genome position (GRCh38, 1-based): chr22:41,178,709, C>G. VCF-style: chr22-41178709-C-G. GRCh37 (hg19) VCF-style: chr22-41574713-C-G.
Other names: c.6920C>G, p.Pro2307Arg (NM_001362843.2); short protein forms P2307R, P2333R.
Identifiers: ClinVar variation 2573870 (VCV002573870.2), dbSNP rs750944383, ClinGen allele CA10254007.
Genomic context (GRCh38, chr22:41,178,709, plus strand): 5'-TCCCTTCTCCACGGCCACAGTCCCAGCCCCCCCACTCCAGTCCTTCCCCAAGGATGCAGC[C>G]TCAGCCTTCTCCACACCACGTTTCCCCACAGACAAGTTCCCCACATCCTGGACTGGTAGC-3'
Protein context (NP_001420.2, residues 2323-2343): PHSSPSPRMQ[Pro2333Arg]QPSPHHVSPQ